The following is an entry in ClinVar:

NM_022370.4(ROBO3):c.3742C>T (p.Arg1248Ter)

Gene: ROBO3 (roundabout guidance receptor 3; plus strand). Cytogenetic location: 11q24.2.
Variant type: single nucleotide variant.
Coding change: c.3742C>T on transcript NM_022370.4 (MANE Select); coding-DNA position 3742, C replaced by T.
Protein change: p.Arg1248Ter; replaces arginine 1248 with a stop codon.
Molecular consequence: nonsense. On other transcripts: non-coding transcript variant (7).
Genome position (GRCh38, 1-based): chr11:124,879,521, C>T. VCF-style: chr11-124879521-C-T. GRCh37 (hg19) VCF-style: chr11-124749417-C-T.
Other names: c.889C>T, p.Arg297Ter (NM_001370356.1, NM_001370357.1, NM_001370358.1 and 2 more transcripts); c.694C>T, p.Arg232Ter (NM_001370364.1, NM_001370366.1); short protein forms R232*, R297*, R1248*.
Identifiers: ClinVar variation 4986689 (VCV004986689.1).

ClinVar aggregate classification (germline): Pathogenic (1 of 4 stars; one submission).

Conditions:
ROBO3-related disorder. Also called: ROBO3-related condition.

gnomAD v4.1: 6 of 1,613,740 alleles (0.00037%); highest among the groups gnomAD compares: Admixed American, 0.0017%; no homozygotes.

Submission:

PreventionGenetics, part of Exact Sciences
Classification: Pathogenic for ROBO3-related condition. Last evaluated: 2025-01-15. Review status: criteria provided, single submitter. Criteria: ACMG Guidelines, 2015. Collection method: clinical testing. Allele origin: germline.
Comment: The ROBO3 c.3742C>T variant is predicted to result in premature protein termination (p.Arg1248*). This variant has been reported in a family with horizontal gaze palsy and progressive scoliosis (HGPPS) and was shown to segregate with the disease in this family (Rousan et al. 2019. PubMed ID: 30985235) . This variant has also been reported in a cohort with hypogonadotropic hypogonadism (Zhou et al. 2018. PubMed ID: 30098700). This variant has not been reported in a large population database (gnomAD), indicating this variant is rare. Nonsense variants in ROBO3 are expected to be pathogenic. This variant is interpreted as pathogenic.